The following is an entry in ClinVar:

ClinVar aggregate classification (germline): Uncertain significance. Review status: criteria provided, multiple submitters, no conflicts (2 of 4 stars). 4 submissions from 4 submitters: Uncertain significance (4). Last evaluated 2024-12-19.

Conditions:
Inborn genetic diseases. Identifiers: MedGen C0950123, MeSH D030342.
Hereditary sensory and autonomic neuropathy type 6. Also called: HSAN VI; Neuropathy, hereditary sensory and autonomic, type VI. Identifiers: Orphanet 314381, MedGen C3539003, MONDO:0013839, OMIM 614653.
Epidermolysis bullosa simplex 3, localized or generalized intermediate, with BP230 deficiency (EBS3). Also called: Epidermolysis bullosa simplex, autosomal recessive 2; Epidermolysis bullosa simplex due to BP230 deficiency. Identifiers: Orphanet 412181, MedGen C3809470, MONDO:0014180, OMIM 615425.

Allele frequency attached by ClinVar (database versions not stated): ExAC 0.00004; gnomAD 0.00005 and 0.00006; gnomAD exomes 0.00006 and 0.00012; TOPMed 0.00007; ESP Exome Variant Server 0.00008.
gnomAD v4.1: 180 of 1,611,316 alleles (0.011%); highest among the groups gnomAD compares: Non-Finnish European, 0.014%; no homozygotes.

Submissions (4):

Genomic Medicine Center of Excellence, King Faisal Specialist Hospital and Research Centre
Classification: Uncertain significance for Hereditary sensory and autonomic neuropathy type 6. Last evaluated: 2024-12-19. Review status: criteria provided, single submitter. Criteria: ACMG Guidelines, 2015. Collection method: clinical testing. Allele origin: germline.

Labcorp Genetics (formerly Invitae), Labcorp
Classification: Uncertain significance for Epidermolysis bullosa simplex 3, localized or generalized intermediate, with BP230 deficiency; Hereditary sensory and autonomic neuropathy type 6. Last evaluated: 2022-10-18. Review status: criteria provided, single submitter. Criteria: Invitae Variant Classification Sherloc (09022015). Collection method: clinical testing. Allele origin: germline.
Comment: This sequence change replaces glutamic acid, which is acidic and polar, with lysine, which is basic and polar, at codon 1014 of the DST protein (p.Glu1014Lys). This variant is present in population databases (rs375889300, gnomAD 0.01%). This variant has not been reported in the literature in individuals affected with DST-related conditions. ClinVar contains an entry for this variant (Variation ID: 581479). Algorithms developed to predict the effect of missense changes on protein structure and function (SIFT, PolyPhen-2, Align-GVGD) all suggest that this variant is likely to be disruptive. In summary, the available evidence is currently insufficient to determine the role of this variant in disease. Therefore, it has been classified as a Variant of Uncertain Significance.

Ambry Genetics
Classification: Uncertain significance for Inborn genetic diseases. Last evaluated: 2019-12-14. Review status: criteria provided, single submitter. Criteria: Ambry Variant Classification Scheme 2023. Collection method: clinical testing. Allele origin: germline.
Comment: The p.E1518K variant (also known as c.4552G>A), located in coding exon 33 of the DST gene, results from a G to A substitution at nucleotide position 4552. The glutamic acid at codon 1518 is replaced by lysine, an amino acid with similar properties. This amino acid position is highly conserved in available vertebrate species. In addition, the in silico prediction for this alteration is inconclusive. Since supporting evidence is limited at this time, the clinical significance of this alteration remains unclear.

Mayo Clinic Laboratories, Mayo Clinic
Classification: Uncertain significance. Last evaluated: 2019-05-12. Review status: criteria provided, single submitter. Criteria: ACMG Guidelines, 2015. Collection method: clinical testing. Allele origin: germline. Observed: 1 variant allele.

NM_001374736.1(DST):c.4651G>A (p.Glu1551Lys)

Gene: DST (dystonin; minus strand). Cytogenetic location: 6p12.1.
Variant type: single nucleotide variant.
Coding change: c.4651G>A on transcript NM_001374736.1 (MANE Select); coding-DNA position 4651, G replaced by A.
Protein change: p.Glu1551Lys; replaces glutamic acid 1551 with lysine.
Molecular consequence: missense variant.
Genome position (GRCh38, 1-based): chr6:56,627,275, C>T on the plus strand (G>A on the coding strand, the complement: DST is on the minus strand). VCF-style: chr6-56627275-C-T. GRCh37 (hg19) VCF-style: chr6-56492073-C-T.
Other names: c.4552G>A, p.Glu1518Lys (NM_001144769.5); c.4138G>A, p.Glu1380Lys (NM_001144770.2); c.4651G>A, p.Glu1551Lys (NM_001374722.1); c.4018G>A, p.Glu1340Lys (NM_001374729.1, NM_001374730.1, NM_001386100.1 and 1 more transcripts); c.4678G>A, p.Glu1560Lys (NM_001374734.1); c.3040G>A, p.Glu1014Lys (NM_001723.7, NM_015548.5); short protein forms E1014K, E1518K, E1340K, E1380K, E1551K, E1560K.
Identifiers: ClinVar variation 581479 (VCV000581479.13), dbSNP rs375889300, ClinGen allele CA3870838.